The following is an entry in ClinVar:

NM_016006.4(ABHD5):c.-294T>A

Genes: ABHD5 (abhydrolase domain containing 5, lysophosphatidic acid acyltransferase; plus strand), ANO10 (anoctamin 10; minus strand). Cytogenetic location: 3p21.33.
Variant type: single nucleotide variant.
Coding change: c.-294T>A on transcript NM_016006.4; 294 bases upstream of the start codon, T replaced by A.
Molecular consequence: intron variant (on NM_001346469.2).
Genome position (GRCh38, 1-based): chr3:43,690,699, T>A. VCF-style: chr3-43690699-T-A. GRCh37 (hg19) VCF-style: chr3-43732191-T-A.
Other names: c.-12+818A>T (NM_001346469.2, NM_001346468.2).
Identifiers: ClinVar variation 673914 (VCV000673914.4), dbSNP rs79739454, ClinGen allele CA74390300.
Genomic context (GRCh38, chr3:43,690,699, plus strand): 5'-CAGCCAACACCGACGGGGTGATGCATGAATACAGTCATTATTCAAATTAGCTAAAACACC[T>A]AACTCATTCGGGTGAGTCTCGCCAGTCCCTCTGGGCTGACTGTCCCGCCCCGCGCTTACA-3'

ClinVar aggregate classification (germline): Likely benign. Review status: criteria provided, multiple submitters, no conflicts (2 of 4 stars). 2 submissions from 2 submitters: Likely benign (2). Last evaluated 2018-06-18.

Allele frequency attached by ClinVar (database versions not stated): gnomAD 0.02263 and 0.01973; 1000 Genomes Project 0.03634; TOPMed 0.02182; 1000 Genomes Project 30x 0.03482.
gnomAD v4.1: 8,991 of 388,780 alleles (2.3%); highest among the groups gnomAD compares: South Asian, 7.2%; 156 homozygotes.

Submissions (2):

GeneDx
Classification: Likely benign. Last evaluated: 2018-06-18. Review status: criteria provided, single submitter. Criteria: GeneDx Variant Classification (06012015). Collection method: clinical testing. Allele origin: germline. Affected: yes.
Comment: This variant is considered likely benign or benign based on one or more of the following criteria: it is a conservative change, it occurs at a poorly conserved position in the protein, it is predicted to be benign by multiple in silico algorithms, and/or has population frequency not consistent with disease.

Breakthrough Genomics
Classification: Likely benign. Review status: criteria provided, single submitter. Criteria: ACMG Guidelines, 2015. Collection method: not provided. Allele origin: germline. Inheritance: Autosomal recessive inheritance. Affected: yes.